The following is an entry in ClinVar:

ClinVar aggregate classification (germline): Uncertain significance. Review status: criteria provided, multiple submitters, no conflicts (2 of 4 stars). 3 submissions from 3 submitters: Uncertain significance (3). Last evaluated 2025-02-10.

Conditions:
Developmental and epileptic encephalopathy, 27 (DEE27). Also called: Epileptic encephalopathy, early infantile, 27; GRIN2B-Related Neurodevelopmental Disorder. Identifiers: Orphanet 3451, MedGen C4015316, MONDO:0014505, OMIM 616139.
Intellectual developmental disorder, autosomal dominant 6, with or without seizures. Also called: Intellectual disability, autosomal dominant 6; GRIN2B-related developmental delay, intellectual disability and autism spectrum disorder. Identifiers: Orphanet 589547, MedGen C3151411, MONDO:0013509, OMIM 613970.

gnomAD v4.1: 1 of 1,614,214 alleles (0.000062%); highest among the groups gnomAD compares: Non-Finnish European, 0.000085%; no homozygotes.

Submissions (3):

Labcorp Genetics (formerly Invitae), Labcorp
Classification: Uncertain significance for Developmental and epileptic encephalopathy, 27; Intellectual developmental disorder, autosomal dominant 6, with or without seizures. Last evaluated: 2025-02-10. Review status: criteria provided, single submitter. Criteria: Invitae Variant Classification Sherloc (09022015). Collection method: clinical testing. Allele origin: germline.
Comment: This sequence change replaces arginine, which is basic and polar, with tryptophan, which is neutral and slightly polar, at codon 990 of the GRIN2B protein (p.Arg990Trp). This variant is not present in population databases (gnomAD no frequency). This variant has not been reported in the literature in individuals affected with GRIN2B-related conditions. ClinVar contains an entry for this variant (Variation ID: 3370594). Invitae Evidence Modeling of protein sequence and biophysical properties (such as structural, functional, and spatial information, amino acid conservation, physicochemical variation, residue mobility, and thermodynamic stability) indicates that this missense variant is not expected to disrupt GRIN2B protein function with a negative predictive value of 95%. In summary, the available evidence is currently insufficient to determine the role of this variant in disease. Therefore, it has been classified as a Variant of Uncertain Significance.

GeneDx
Classification: Uncertain significance. Last evaluated: 2024-03-05. Review status: criteria provided, single submitter. Criteria: GeneDx Variant Classification Process June 2021. Collection method: clinical testing. Allele origin: germline. Affected: yes.
Comment: Not observed at significant frequency in large population cohorts (gnomAD); In silico analysis supports that this missense variant has a deleterious effect on protein structure/function; Has not been previously published as pathogenic or benign to our knowledge.

Blueprint Genetics
Classification: Uncertain significance. Last evaluated: 2022-07-12. Review status: criteria provided, single submitter. Criteria: ACMG Guidelines, 2015. Collection method: clinical testing. Allele origin: germline.

NM_000834.5(GRIN2B):c.2968C>T (p.Arg990Trp)

Gene: GRIN2B (glutamate ionotropic receptor NMDA type subunit 2B; minus strand). Cytogenetic location: 12p13.1.
Variant type: single nucleotide variant.
Coding change: c.2968C>T on transcript NM_000834.5 (MANE Select); coding-DNA position 2968, C replaced by T.
Protein change: p.Arg990Trp; replaces arginine 990 with tryptophan.
Molecular consequence: missense variant.
Genome position (GRCh38, 1-based): chr12:13,564,270, G>A on the plus strand (C>T on the coding strand, the complement: GRIN2B is on the minus strand). VCF-style: chr12-13564270-G-A. GRCh37 (hg19) VCF-style: chr12-13717204-G-A.
Other names: c.2968C>T, p.Arg990Trp (NM_001413992.1); short protein forms R990W.
Identifiers: ClinVar variation 3370594 (VCV003370594.4).